The following is an entry in ClinVar:

ClinVar aggregate classification (germline): Uncertain significance. Review status: criteria provided, multiple submitters, no conflicts (2 of 4 stars). 2 submissions from 2 submitters: Uncertain significance (2). Last evaluated 2025-11-26.

Conditions:
Hereditary sensory and autonomic neuropathy type 7. Also called: HSAN VII; Neuropathy, hereditary sensory and autonomic, type VII. Identifiers: Orphanet 391397, MedGen C3809882, MONDO:0014244, OMIM 615548.
Familial episodic pain syndrome with predominantly lower limb involvement. Also called: Episodic pain syndrome, familial, 3. Identifiers: Orphanet 391384, Orphanet 391392, MedGen C3809899, MONDO:0014247, OMIM 615552.
Inborn genetic diseases. Identifiers: MedGen C0950123, MeSH D030342.

gnomAD v4.1: 32 of 1,602,542 alleles (0.002%); highest among the groups gnomAD compares: Non-Finnish European, 0.0026%; no homozygotes.

Submissions (2):

Ambry Genetics
Classification: Uncertain significance for Inborn genetic diseases. Last evaluated: 2025-11-26. Review status: criteria provided, single submitter. Criteria: Ambry Variant Classification Scheme 2023. Collection method: clinical testing. Allele origin: germline.

Labcorp Genetics (formerly Invitae), Labcorp
Classification: Uncertain significance for Familial episodic pain syndrome with predominantly lower limb involvement; Hereditary sensory and autonomic neuropathy type 7. Last evaluated: 2024-02-13. Review status: criteria provided, single submitter. Criteria: Invitae Variant Classification Sherloc (09022015). Collection method: clinical testing. Allele origin: germline.
Comment: This sequence change replaces alanine, which is neutral and non-polar, with glycine, which is neutral and non-polar, at codon 147 of the SCN11A protein (p.Ala147Gly). This variant is present in population databases (rs771769570, gnomAD 0.0009%). This variant has not been reported in the literature in individuals affected with SCN11A-related conditions. An algorithm developed to predict the effect of missense changes on protein structure and function (PolyPhen-2) suggests that this variant is likely to be disruptive. In summary, the available evidence is currently insufficient to determine the role of this variant in disease. Therefore, it has been classified as a Variant of Uncertain Significance.

NM_001349253.2(SCN11A):c.440C>G (p.Ala147Gly)

Gene: SCN11A (sodium voltage-gated channel alpha subunit 11; minus strand). Cytogenetic location: 3p22.2.
Variant type: single nucleotide variant.
Coding change: c.440C>G on transcript NM_001349253.2 (MANE Select); coding-DNA position 440, C replaced by G.
Protein change: p.Ala147Gly; replaces alanine 147 with glycine.
Molecular consequence: missense variant.
Genome position (GRCh38, 1-based): chr3:38,945,459, G>C on the plus strand (C>G on the coding strand, the complement: SCN11A is on the minus strand). VCF-style: chr3-38945459-G-C. GRCh37 (hg19) VCF-style: chr3-38986950-G-C.
Other names: c.440C>G, p.Ala147Gly (NM_014139.3); c.440C>G (NM_014139.2); short protein forms A147G.
Identifiers: ClinVar variation 3747882 (VCV003747882.3).
Genomic context (GRCh38, chr3:38,945,459, plus strand): 5'-AAAAATACTTACTCTGCAATGTCAGTATTGTTACTGTTGCTGTTTTTAGCAGGCCCTGTA[G>C]CCATGAACACGCAGTTGATGATAACGGTGCCGATAATGAACATGCTGAACAATGTGGCCA-3'
Protein context (NP_001336182.1, residues 137-157): GTVIINCVFM[Ala147Gly]TGPAKNSNSN